The following is an entry in ClinVar:

ClinVar aggregate classification (germline): Likely pathogenic (1 of 4 stars; one submission).

Submission:

Geisinger Autism and Developmental Medicine Institute, Geisinger Health System
Classification: Likely pathogenic. Last evaluated: 2017-07-28. Review status: criteria provided, single submitter. Criteria: ACMG CNV Guidelines, 2011. Collection method: provider interpretation. Allele origin: maternal.
Comment: The deletion includes exon 4 of the NRXN1 gene. Variants in the NRXN1 gene, including intragenic copy number variants, have been associated with variable neurodevelopmental diagnoses including autism spectrum disorders, intellectual disability, epilepsy, and schizophrenia. The features are variable from individual to individual. 2p16.3 deletions and variants in the NRXN1 gene have also been reported in healthy controls and unaffected parents of individuals with neuropsychiatric disorders indicating reduced penetrance or variable expressivity (Schaaf et al. 2012; Bena et al. 2013).

Literature cited by the submitters: PubMed 22617343; PubMed 23533028.

NM_001330078.2(NRXN1):c.773-304_790+128del

Gene: NRXN1 (neurexin 1; minus strand). Cytogenetic location: 2p16.3.
Variant type: Deletion.
Coding change: c.773-304_790+128del on transcript NM_001330078.2 (MANE Select); 304 bases into the intron before coding-DNA position 773 through 128 bases into the intron after coding-DNA position 790, 450 bases deleted.
Molecular consequence: splice acceptor variant, splice donor variant. On other transcripts: intron variant (6).
Genome position (GRCh38, 1-based): chr2:50,925,810-50,926,259, 450 bases deleted. GRCh37 (hg19): chr2:51,152,948-51,153,397.
Other names: c.772+101243_772+101692del (NM_001330096.2, NM_001330087.2, NM_001330083.2 and 1 more transcripts); c.773-3572_773-3123del (NM_001330088.2, NM_001330089.2); c.773-307_787+128del (NM_001330093.2, NM_001330079.2); c.773-304_790+128del (NM_001330094.2, NM_001330095.2, NM_001330082.2 and 6 more transcripts); c.872-304_889+128del (NM_001135659.3).
Identifiers: ClinVar variation 560109 (VCV000560109.3), dbSNP rs1553368900, ClinGen allele CA658822129.